The following is an entry in ClinVar:

ClinVar aggregate classification (germline): Conflicting classifications of pathogenicity. Review status: criteria provided, conflicting classifications (1 of 4 stars). 3 submissions from 3 submitters: Uncertain significance (1); Likely benign (1). 1 of the submissions does not count toward it. Last evaluated 2023-07-25.

Conditions:
Bardet-Biedl syndrome (BBS). Identifiers: Orphanet 110, MedGen C0752166, MONDO:0015229.
BBS10-related disorder. Also called: BBS10-related condition.
Bardet-Biedl syndrome 10 (BBS10). Identifiers: Orphanet 110, MedGen C1859568, MONDO:0014438, OMIM 615987.

Allele frequency attached by ClinVar (database versions not stated): gnomAD 0.00001; gnomAD exomes 0.00001 and 0.00002; TOPMed 0.00001; ExAC 0.00002; ESP Exome Variant Server 0.00008.

Submissions (3):

Labcorp Genetics (formerly Invitae), Labcorp
Classification: Likely benign for Bardet-Biedl syndrome. Last evaluated: 2023-07-25. Review status: criteria provided, single submitter. Criteria: Invitae Variant Classification Sherloc (09022015). Collection method: clinical testing. Allele origin: germline.

Illumina Laboratory Services, Illumina
Classification: Uncertain significance for Bardet-Biedl syndrome 10. Last evaluated: 2018-01-13. Review status: criteria provided, single submitter. Criteria: ICSL Variant Classification Criteria 13 December 2019. Collection method: clinical testing. Allele origin: germline.

PreventionGenetics, part of Exact Sciences
Classification: Likely benign for BBS10-related condition. Last evaluated: 2021-04-22. Review status: no assertion criteria provided. Collection method: clinical testing. Allele origin: germline. Not counted in ClinVar's aggregate classification.
Comment: This variant is classified as likely benign based on ACMG/AMP sequence variant interpretation guidelines (Richards et al. 2015 PMID: 25741868, with internal and published modifications).

NM_024685.4(BBS10):c.393G>A (p.Gln131=)

Gene: BBS10 (Bardet-Biedl syndrome 10; minus strand). Cytogenetic location: 12q21.2.
Variant type: single nucleotide variant.
Coding change: c.393G>A on transcript NM_024685.4 (MANE Select); coding-DNA position 393, G replaced by A.
Protein change: p.Gln131=; no amino-acid change (glutamine 131 retained).
Molecular consequence: synonymous variant.
Genome position (GRCh38, 1-based): chr12:76,347,592, C>T on the plus strand (G>A on the coding strand, the complement: BBS10 is on the minus strand). VCF-style: chr12-76347592-C-T. GRCh37 (hg19) VCF-style: chr12-76741372-C-T.
Other names: c.393G>A, p.Gln131= (LRG_1255t1).
Identifiers: ClinVar variation 310496 (VCV000310496.11), dbSNP rs369066076, ClinGen allele CA6694359.